The following is an entry in ClinVar:

NM_001267550.2(TTN):c.95806del (p.Asp31936fs)

Genes: TTN (titin; minus strand), TTN-AS1 (TTN antisense RNA 1; plus strand). Cytogenetic location: 2q31.2.
Variant type: Deletion.
Coding change: c.95806del on transcript NM_001267550.2 (MANE Select); coding-DNA position 95806, one base deleted (G; older notation c.95806delG).
Protein change: p.Asp31936fs; shifts the reading frame from aspartic acid 31936.
Molecular consequence: frameshift variant.
Genome position (GRCh38, 1-based): chr2:178,544,423, C deleted on the plus strand (G on the coding strand, the reverse complement: TTN is on the minus strand). VCF-style (leftmost placement, unchanged base first): chr2-178544422-TC-T. GRCh37 (hg19) VCF-style: chr2-179409149-TC-T.
Other names: c.90883del, p.Asp30295fs (NM_001256850.1); c.68611del, p.Asp22871fs (NM_003319.4); c.88102del, p.Asp29368fs (NM_133378.4); c.68986del, p.Asp22996fs (NM_133432.3); c.69187del, p.Asp23063fs (NM_133437.4); short protein forms D23063fs, D29368fs, D31936fs, D22871fs, D22996fs, D30295fs.
Identifiers: ClinVar variation 2950355 (VCV002950355.3), dbSNP rs2468968607, ClinGen allele CA2740095973.

ClinVar aggregate classification (germline): Likely pathogenic (1 of 4 stars; one submission).

Conditions:
Dilated cardiomyopathy 1G (CMD1G). Identifiers: Orphanet 154, MedGen C1858763, MONDO:0011400, OMIM 604145.
Autosomal recessive limb-girdle muscular dystrophy type 2J (LGMDR10). Also called: Limb-girdle muscular dystrophy, type 2J; MUSCULAR DYSTROPHY, LIMB-GIRDLE, AUTOSOMAL RECESSIVE 10. Identifiers: Orphanet 140922, MedGen C1837342, MONDO:0012127, OMIM 608807.

Submission:

Labcorp Genetics (formerly Invitae), Labcorp
Classification: Likely pathogenic for Dilated cardiomyopathy 1G; Autosomal recessive limb-girdle muscular dystrophy type 2J. Last evaluated: 2024-03-09. Review status: criteria provided, single submitter. Criteria: Invitae Variant Classification Sherloc (09022015). Collection method: clinical testing. Allele origin: germline.
Comment: This sequence change creates a premature translational stop signal (p.Asp31936Metfs*7) in the TTN gene. While this is not anticipated to result in nonsense mediated decay, it is expected to create a truncated TTN protein. This variant is not present in population databases (gnomAD no frequency). This variant has not been reported in the literature in individuals affected with TTN-related conditions. This variant is located in the A band of TTN (PMID: 25589632). Truncating variants in this region are significantly overrepresented in patients affected with dilated cardiomyopathy (PMID: 25589632). Truncating variants in this region have also been reported in individuals affected with autosomal recessive centronuclear myopathy (PMID: 23975875). In summary, the currently available evidence indicates that the variant is pathogenic, but additional data are needed to prove that conclusively. Therefore, this variant has been classified as Likely Pathogenic.

Literature cited by the submitters: PubMed 25589632; PubMed 23975875.